The following is an entry in ClinVar:

ClinVar aggregate classification (germline): Pathogenic. Review status: criteria provided, multiple submitters, no conflicts (2 of 4 stars). 3 submissions from 3 submitters: Pathogenic (3). Last evaluated 2026-10-05.

Conditions:
SKIN/HAIR/EYE PIGMENTATION 1, BLUE/NONBLUE EYES (SHEP1). Also called: BROWN EYE COLOR 2; EYE COLOR 3; EYE COLOR, BLUE/NONBLUE; EYE COLOR, BROWN/BLUE; HAIR COLOR 3; SKIN/HAIR/EYE PIGMENTATION 1, BLOND/BROWN HAIR. Identifiers: MedGen C1856895, OMIM 227220.

Submissions (3):

GeneDx
Classification: Pathogenic. Last evaluated: 2026-10-05. Review status: criteria provided, single submitter. Criteria: GeneDx Variant Classification Process June 2021. Collection method: clinical testing. Allele origin: germline.
Comment: A variant described as c.614delA has been reported in an individual with oculocutaneous albinism in the literature; this may be the same variant with alternate nomenclature, but additional information was not provided (PMID: 10649493); Frameshift variant predicted to result in protein truncation or nonsense mediated decay in a gene for which loss of function is a known mechanism of disease; Not observed at significant frequency in large population cohorts (gnomAD); This variant is associated with the following publications: (PMID: 10649493)

Labcorp Genetics (formerly Invitae), Labcorp
Classification: Pathogenic. Last evaluated: 2025-04-13. Review status: criteria provided, single submitter. Criteria: Invitae Variant Classification Sherloc (09022015). Collection method: clinical testing. Allele origin: germline.
Comment: This sequence change creates a premature translational stop signal (p.Lys614Serfs*14) in the OCA2 gene. It is expected to result in an absent or disrupted protein product. Loss-of-function variants in OCA2 are known to be pathogenic (PMID: 19865097, 21541274). The frequency data for this variant in the population databases is considered unreliable, as metrics indicate poor data quality at this position in the gnomAD database. This premature translational stop signal has been observed in individual(s) with oculocutaneous albinism. (PMID: 10649493). This variant is also known as 614delA. ClinVar contains an entry for this variant (Variation ID: 2137632). For these reasons, this variant has been classified as Pathogenic.

Baylor Genetics
Classification: Pathogenic for SKIN/HAIR/EYE PIGMENTATION 1, BLUE/NONBLUE EYES. Last evaluated: 2023-10-30. Review status: criteria provided, single submitter. Criteria: ACMG Guidelines, 2015. Collection method: clinical testing. Allele origin: unknown.

Literature cited by the submitters: PubMed 19865097 (cited by Labcorp Genetics (formerly Invitae), Labcorp); PubMed 21541274 (cited by Labcorp Genetics (formerly Invitae), Labcorp); PubMed 10649493 (cited by Labcorp Genetics (formerly Invitae), Labcorp).

NM_000275.3(OCA2):c.1841del (p.Lys614fs)

Gene: OCA2 (OCA2 melanosomal transmembrane protein; minus strand). Cytogenetic location: 15q13.1.
Variant type: Deletion.
Coding change: c.1841del on transcript NM_000275.3 (MANE Select); coding-DNA position 1841, one base deleted (A; older notation c.1841delA).
Protein change: p.Lys614fs; shifts the reading frame from lysine 614.
Molecular consequence: frameshift variant.
Genome position (GRCh38, 1-based): chr15:27,955,159, T deleted on the plus strand (A on the coding strand, the reverse complement: OCA2 is on the minus strand); the first of 7 consecutive T bases (chr15:27,955,159-27,955,165); deleting any one gives the same sequence. VCF-style (leftmost placement, unchanged base first): chr15-27955158-CT-C. GRCh37 (hg19) VCF-style: chr15-28200304-CT-C.
Other names: c.1769del, p.Lys590fs (NM_001300984.2); c.1841del (NM_000275.2); short protein forms K590fs, K614fs.
Identifiers: ClinVar variation 2137632 (VCV002137632.7), dbSNP rs1322260893, ClinGen allele CA488959888.